The following is an entry in ClinVar:

ClinVar aggregate classification (germline): Likely benign (1 of 4 stars; one submission).

Submission:

CeGaT Center for Human Genetics Tuebingen
Classification: Likely benign. Last evaluated: 2023-01-01. Review status: criteria provided, single submitter. Criteria: CeGaT Center For Human Genetics Tuebingen Variant Classification Criteria Version 2. Collection method: clinical testing. Allele origin: germline. Affected: yes. Observed: 1 variant allele.
Comment: PKD1L1: PM2:Supporting, BP4, BP7

NM_138295.5(PKD1L1):c.2037G>T (p.Val679=)

Gene: PKD1L1 (polycystin 1 like 1, transient receptor potential channel interacting; minus strand). Cytogenetic location: 7p12.3.
Variant type: single nucleotide variant.
Coding change: c.2037G>T on transcript NM_138295.5 (MANE Select); coding-DNA position 2037, G replaced by T.
Protein change: p.Val679=; no amino-acid change (valine 679 retained).
Molecular consequence: synonymous variant.
Genome position (GRCh38, 1-based): chr7:47,902,406, C>A on the plus strand (G>T on the coding strand, the complement: PKD1L1 is on the minus strand). VCF-style: chr7-47902406-C-A. GRCh37 (hg19) VCF-style: chr7-47942003-C-A.
Identifiers: ClinVar variation 2657462 (VCV002657462.24), dbSNP rs2484131673, ClinGen allele CA454918280.